The following is an entry in ClinVar:

NM_001040108.2(MLH3):c.1490T>C (p.Leu497Ser)

Gene: MLH3 (mutL homolog 3; minus strand). Cytogenetic location: 14q24.3.
Variant type: single nucleotide variant.
Coding change: c.1490T>C on transcript NM_001040108.2 (MANE Select); coding-DNA position 1490, T replaced by C.
Protein change: p.Leu497Ser; replaces leucine 497 with serine.
Molecular consequence: missense variant.
Genome position (GRCh38, 1-based): chr14:75,048,166, A>G on the plus strand (T>C on the coding strand, the complement: MLH3 is on the minus strand). VCF-style: chr14-75048166-A-G. GRCh37 (hg19) VCF-style: chr14-75514869-A-G.
Other names: c.1490T>C (NM_001040108.1); c.1490T>C, p.Leu497Ser (NM_014381.3); short protein forms L497S.
Identifiers: ClinVar variation 1480720 (VCV001480720.10), dbSNP rs1009026527, ClinGen allele CA263653026.

ClinVar aggregate classification (germline): Conflicting classifications of pathogenicity. Review status: criteria provided, conflicting classifications (1 of 4 stars). 3 submissions from 3 submitters: Uncertain significance (2); Likely benign (1). Last evaluated 2025-12-29.

Conditions:
Colorectal cancer, hereditary nonpolyposis, type 7. Identifiers: Orphanet 144, MedGen C1858380, MONDO:0013725, OMIM 614385.

Allele frequency attached by ClinVar (database versions not stated): TOPMed below 0.00001; gnomAD 0.00001; gnomAD exomes 0.00001.
gnomAD v4.1: 19 of 1,614,022 alleles (0.0012%); highest among the groups gnomAD compares: Admixed American, 0.0017%; no homozygotes.

Submissions (3):

Center for Genomic Medicine, Rigshospitalet, Copenhagen University Hospital
Classification: Uncertain significance. Last evaluated: 2025-12-29. Review status: criteria provided, single submitter. Criteria: ACMG Guidelines, 2015. Collection method: clinical testing. Allele origin: germline.

Ambry Genetics
Classification: Likely benign. Last evaluated: 2025-09-11. Review status: criteria provided, single submitter. Criteria: Ambry Variant Classification Scheme 2023. Collection method: clinical testing. Allele origin: germline.

Labcorp Genetics (formerly Invitae), Labcorp
Classification: Uncertain significance for Colorectal cancer, hereditary nonpolyposis, type 7. Last evaluated: 2024-04-02. Review status: criteria provided, single submitter. Criteria: Invitae Variant Classification Sherloc (09022015). Collection method: clinical testing. Allele origin: germline.
Comment: This sequence change replaces leucine, which is neutral and non-polar, with serine, which is neutral and polar, at codon 497 of the MLH3 protein (p.Leu497Ser). This variant is present in population databases (no rsID available, gnomAD 0.003%). This variant has not been reported in the literature in individuals affected with MLH3-related conditions. ClinVar contains an entry for this variant (Variation ID: 1480720). Algorithms developed to predict the effect of missense changes on protein structure and function output the following: SIFT: "Not Available"; PolyPhen-2: "Benign"; Align-GVGD: "Not Available". The serine amino acid residue is found in multiple mammalian species, which suggests that this missense change does not adversely affect protein function. In summary, the available evidence is currently insufficient to determine the role of this variant in disease. Therefore, it has been classified as a Variant of Uncertain Significance.